The following is an entry in ClinVar:

NM_024011.4(CDK11A):c.1695T>C (p.Asp565=)

Gene: CDK11A (cyclin dependent kinase 11A; minus strand). Cytogenetic location: 1p36.33.
Variant type: single nucleotide variant.
Coding change: c.1695T>C on transcript NM_024011.4 (MANE Select); coding-DNA position 1695, T replaced by C.
Protein change: p.Asp565=; no amino-acid change (aspartic acid 565 retained).
Molecular consequence: synonymous variant. On other transcripts: non-coding transcript variant (2).
Genome position (GRCh38, 1-based): chr1:1,704,138, A>G on the plus strand (T>C on the coding strand, the complement: CDK11A is on the minus strand). VCF-style: chr1-1704138-A-G. GRCh37 (hg19) VCF-style: chr1-1635577-A-G.
Other names: c.1704T>C, p.Asp568= (NM_001313896.2); c.1692T>C, p.Asp564= (NM_001313982.2); c.1665T>C, p.Asp555= (NM_033529.4).
Identifiers: ClinVar variation 2638056 (VCV002638056.24), dbSNP rs1136996, ClinGen allele CA530086.

ClinVar aggregate classification (germline): Likely benign (1 of 4 stars; one submission).

Allele frequency attached by ClinVar (database versions not stated): gnomAD 0.00005; 1000 Genomes Project 30x 0.00047; 1000 Genomes Project 0.00100; ExAC 0.00321.

Submission:

CeGaT Center for Human Genetics Tuebingen
Classification: Likely benign. Last evaluated: 2022-11-01. Review status: criteria provided, single submitter. Criteria: CeGaT Center For Human Genetics Tuebingen Variant Classification Criteria Version 2. Collection method: clinical testing. Allele origin: germline. Affected: yes. Observed: 1 variant allele.
Comment: CDK11A: BP4, BP7